The following is an entry in ClinVar:

NM_005477.3(HCN4):c.146G>T (p.Arg49Leu)

Gene: HCN4 (hyperpolarization activated cyclic nucleotide gated potassium channel 4; minus strand). Cytogenetic location: 15q24.1.
Variant type: single nucleotide variant.
Coding change: c.146G>T on transcript NM_005477.3 (MANE Select); coding-DNA position 146, G replaced by T.
Protein change: p.Arg49Leu; replaces arginine 49 with leucine.
Molecular consequence: missense variant.
Genome position (GRCh38, 1-based): chr15:73,368,125, C>A on the plus strand (G>T on the coding strand, the complement: HCN4 is on the minus strand). VCF-style: chr15-73368125-C-A. GRCh37 (hg19) VCF-style: chr15-73660466-C-A.
Other names: short protein forms R49L.
Identifiers: ClinVar variation 4530874 (VCV004530874.1).
Genomic context (GRCh38, chr15:73,368,125, plus strand): 5'-CTCCGGGACTCCGTGCCACCCGCGGCCGCCGAGGGGGAGGGCGAGGGCAGTGGCCGCAGC[C>A]GGATGCTCCTGCGGCTGGGGTCTTGGCGGCCCCCGGCCCCCTCCTCCTCGGCGTCCTCTT-3'
Protein context (NP_005468.1, residues 39-59): GRQDPSRRSI[Arg49Leu]LRPLPSPSPS

ClinVar aggregate classification (germline): Uncertain significance (1 of 4 stars; one submission).

Submission:

GeneDx
Classification: Uncertain significance. Last evaluated: 2025-05-18. Review status: criteria provided, single submitter. Criteria: GeneDx Variant Classification Process June 2021. Collection method: clinical testing. Allele origin: germline. Affected: yes.
Comment: Not observed at significant frequency in large population cohorts (gnomAD); In silico analysis suggests that this missense variant does not alter protein structure/function; Has not been previously published as pathogenic or benign to our knowledge